The following is an entry in ClinVar:

ClinVar aggregate classification (germline): Benign/Likely benign. Review status: criteria provided, multiple submitters, no conflicts (2 of 4 stars). 5 submissions from 5 submitters: Benign (2); Likely benign (3). Last evaluated 2026-07-01.

Conditions:
AHCY-related disorder. Also called: AHCY-related condition.
Hypermethioninemia with deficiency of S-adenosylhomocysteine hydrolase. Identifiers: Orphanet 88618, MedGen C3151058, MONDO:0013404, OMIM 613752.

Allele frequency attached by ClinVar (database versions not stated): gnomAD 0.00388 and 0.00410; gnomAD exomes 0.00388 and 0.00558; 1000 Genomes Project 30x 0.00172; 1000 Genomes Project 0.00180; ExAC 0.00275; TOPMed 0.00305.
gnomAD v4.1: 8,344 of 1,551,488 alleles (0.54%); highest among the groups gnomAD compares: Non-Finnish European, 0.61%; 46 homozygotes.

Submissions (5):

CeGaT Center for Human Genetics Tuebingen
Classification: Likely benign. Last evaluated: 2026-07-01. Review status: criteria provided, single submitter. Criteria: CeGaT Center For Human Genetics Tuebingen Variant Classification Criteria Version 2. Collection method: clinical testing. Allele origin: germline. Affected: yes. Observed: 5 variant alleles.
Comment: AHCY: BP4, BS2

Labcorp Genetics (formerly Invitae), Labcorp
Classification: Benign for Hypermethioninemia with deficiency of S-adenosylhomocysteine hydrolase. Last evaluated: 2026-01-28. Review status: criteria provided, single submitter. Criteria: Invitae Variant Classification Sherloc (09022015). Collection method: clinical testing. Allele origin: germline.

PreventionGenetics, part of Exact Sciences
Classification: Benign for AHCY-related condition. Last evaluated: 2026-01-07. Review status: criteria provided, single submitter. Criteria: ACMG Guidelines, 2015. Collection method: clinical testing. Allele origin: germline.
Comment: This variant is classified as benign based on ACMG/AMP sequence variant interpretation guidelines (Richards et al. 2015 PMID: 25741868, with internal and published modifications).

Blueprint Genetics
Classification: Likely benign. Last evaluated: 2024-11-22. Review status: criteria provided, single submitter. Criteria: ACMG Guidelines, 2015. Collection method: clinical testing. Allele origin: germline.

Illumina Laboratory Services, Illumina
Classification: Likely benign for Hypermethioninemia with deficiency of S-adenosylhomocysteine hydrolase. Last evaluated: 2018-01-13. Review status: criteria provided, single submitter. Criteria: ICSL Variant Classification Criteria 13 December 2019. Collection method: clinical testing. Allele origin: germline.
Comment: This variant was observed in the ICSL laboratory as part of a predisposition screen in an ostensibly healthy population. It had not been previously curated by ICSL or reported in the Human Gene Mutation Database (HGMD: prior to June 1st, 2018), and was therefore a candidate for classification through an automated scoring system. Utilizing variant allele frequency, disease prevalence and penetrance estimates, and inheritance mode, an automated score was calculated to assess if this variant is too frequent to cause the disease. Based on the score and internal cut-off values, a variant classified as likely benign is not then subjected to further curation. The score for this variant resulted in a classification of likely benign for this disease.

NM_000687.4(AHCY):c.28+7C>T

Gene: AHCY (adenosylhomocysteinase; minus strand). Cytogenetic location: 20q11.22.
Variant type: single nucleotide variant.
Coding change: c.28+7C>T on transcript NM_000687.4 (MANE Select); 7 bases into the intron after coding-DNA position 28, C replaced by T.
Molecular consequence: intron variant.
Genome position (GRCh38, 1-based): chr20:34,303,236, G>A on the plus strand (C>T on the coding strand, the complement: AHCY is on the minus strand). VCF-style: chr20-34303236-G-A. GRCh37 (hg19) VCF-style: chr20-32891042-G-A.
Other names: c.-56-7651C>T (NM_001161766.2); c.28+7C>T (NM_001362750.2).
Identifiers: ClinVar variation 338282 (VCV000338282.41), dbSNP rs201479827, ClinGen allele CA9821174.